The following is an entry in ClinVar:

ClinVar aggregate classification (germline): Uncertain significance (1 of 4 stars; one submission).

Conditions:
Acrocallosal syndrome (ACLS). Also called: HALLUX DUPLICATION, POSTAXIAL POLYDACTYLY, AND ABSENCE OF CORPUS CALLOSUM; Schinzel syndrome 1; Absence of corpus callosum with unusual facial appearance, mental deficiency, duplication of the halluces and polydactyly. Identifiers: Orphanet 36, MedGen C0796147, MONDO:0008708, OMIM 200990.

Allele frequency attached by ClinVar (database versions not stated): gnomAD 0.00001; TOPMed 0.00001.
gnomAD v4.1: 10 of 1,608,288 alleles (0.00062%); highest among the groups gnomAD compares: Middle Eastern, 0.12%; no homozygotes.

Submission:

Labcorp Genetics (formerly Invitae), Labcorp
Classification: Uncertain significance for Acrocallosal syndrome. Last evaluated: 2021-03-12. Review status: criteria provided, single submitter. Criteria: Invitae Variant Classification Sherloc (09022015). Collection method: clinical testing. Allele origin: germline.
Comment: In summary, the available evidence is currently insufficient to determine the role of this variant in disease. Therefore, it has been classified as a Variant of Uncertain Significance. Algorithms developed to predict the effect of missense changes on protein structure and function (SIFT, PolyPhen-2, Align-GVGD) all suggest that this variant is likely to be tolerated, but these predictions have not been confirmed by published functional studies and their clinical significance is uncertain. This variant has not been reported in the literature in individuals with KIF7-related conditions. This variant is not present in population databases (ExAC no frequency). This sequence change replaces methionine with leucine at codon 531 of the KIF7 protein (p.Met531Leu). The methionine residue is moderately conserved and there is a small physicochemical difference between methionine and leucine.

NM_198525.3(KIF7):c.1591A>T (p.Met531Leu)

Gene: KIF7 (kinesin family member 7; minus strand). Cytogenetic location: 15q26.1.
Variant type: single nucleotide variant.
Coding change: c.1591A>T on transcript NM_198525.3 (MANE Select); coding-DNA position 1591, A replaced by T.
Protein change: p.Met531Leu; replaces methionine 531 with leucine.
Molecular consequence: missense variant.
Genome position (GRCh38, 1-based): chr15:89,647,027, T>A on the plus strand (A>T on the coding strand, the complement: KIF7 is on the minus strand). VCF-style: chr15-89647027-T-A. GRCh37 (hg19) VCF-style: chr15-90190258-T-A.
Other names: short protein forms M531L.
Identifiers: ClinVar variation 1371678 (VCV001371678.8), dbSNP rs1364028483, ClinGen allele CA393767889.